The following is an entry in ClinVar:

NM_000064.4(C3):c.2000C>T (p.Ala667Val)

Gene: C3 (complement C3; minus strand). Cytogenetic location: 19p13.3.
Variant type: single nucleotide variant.
Coding change: c.2000C>T on transcript NM_000064.4 (MANE Select); coding-DNA position 2000, C replaced by T.
Protein change: p.Ala667Val; replaces alanine 667 with valine.
Molecular consequence: missense variant.
Genome position (GRCh38, 1-based): chr19:6,707,513, G>A on the plus strand (C>T on the coding strand, the complement: C3 is on the minus strand). VCF-style: chr19-6707513-G-A. GRCh37 (hg19) VCF-style: chr19-6707524-G-A.
Other names: short protein forms A667V.
Identifiers: ClinVar variation 2649143 (VCV002649143.24), dbSNP rs2512258527, ClinGen allele CA403637722.
Genomic context (GRCh38, chr19:6,707,513, plus strand): 5'-GAAAGGCTCCCACCTTTGTCCATTCGCTTCTCCGTGAGCTGCACGGAACGGCGTCGGCGG[G>A]CGGCTGGCTGCGGGCACTGAAGTTCTGCAGGGCAGGCGGACCGAGAAGAAGATGGATGAG-3'
Protein context (NP_000055.2, residues 657-677): RAELQCPQPA[Ala667Val]RRRRSVQLTE

ClinVar aggregate classification (germline): Uncertain significance (1 of 4 stars; one submission).

Submission:

CeGaT Center for Human Genetics Tuebingen
Classification: Uncertain significance. Last evaluated: 2023-08-01. Review status: criteria provided, single submitter. Criteria: CeGaT Center For Human Genetics Tuebingen Variant Classification Criteria Version 2. Collection method: clinical testing. Allele origin: germline. Affected: yes. Observed: 1 variant allele.
Comment: C3: PM2, BP4